The following is an entry in ClinVar:

NM_032188.3(KAT8):c.524A>C (p.Lys175Thr)

Gene: KAT8 (lysine acetyltransferase 8; plus strand). Cytogenetic location: 16p11.2.
Variant type: single nucleotide variant.
Coding change: c.524A>C on transcript NM_032188.3 (MANE Select); coding-DNA position 524, A replaced by C.
Protein change: p.Lys175Thr; replaces lysine 175 with threonine.
Molecular consequence: missense variant.
Genome position (GRCh38, 1-based): chr16:31,127,196, A>C. VCF-style: chr16-31127196-A-C. GRCh37 (hg19) VCF-style: chr16-31138517-A-C.
Other names: c.524A>C, p.Lys175Thr (NM_182958.4); short protein forms K175T.
Identifiers: ClinVar variation 1329928 (VCV001329928.2), dbSNP rs2143985614, ClinGen allele CA395672558.

ClinVar aggregate classification (germline): Likely pathogenic (1 of 4 stars; one submission).

Conditions:
Li-Ghorbani-Weisz-Hubshman syndrome. Identifiers: MedGen C5436525, MONDO:0033547, OMIM 618974.

Submission:

Institute of Human Genetics, University of Leipzig Medical Center
Classification: Likely pathogenic for Li-Ghorbani-Weisz-Hubshman syndrome. Last evaluated: 2022-04-26. Review status: criteria provided, single submitter. Criteria: ACMG Guidelines, 2015. Collection method: clinical testing. Allele origin: de novo. Affected: yes.
Comment: This variant was identified as de novo (maternity and paternity confirmed)._x000D_ Criteria applied: PS2_SUP, PM2_SUP, PM5_SUP, PP2, PP3